The following is an entry in ClinVar:

NM_000258.3(MYL3):c.136T>C (p.Phe46Leu)

Gene: MYL3 (myosin light chain 3; minus strand). Cytogenetic location: 3p21.31.
Variant type: single nucleotide variant.
Coding change: c.136T>C on transcript NM_000258.3 (MANE Select); coding-DNA position 136, T replaced by C.
Protein change: p.Phe46Leu; replaces phenylalanine 46 with leucine.
Molecular consequence: missense variant.
Genome position (GRCh38, 1-based): chr3:46,860,981, A>G on the plus strand (T>C on the coding strand, the complement: MYL3 is on the minus strand). VCF-style: chr3-46860981-A-G. GRCh37 (hg19) VCF-style: chr3-46902471-A-G.
Other names: p.F46L:TTC>CTC; short protein forms F46L.
Identifiers: ClinVar variation 181437 (VCV000181437.20), dbSNP rs730880953, ClinGen allele CA013547.

ClinVar aggregate classification (germline): Uncertain significance. Review status: criteria provided, multiple submitters, no conflicts (2 of 4 stars). 6 submissions from 6 submitters: Uncertain significance (6). Last evaluated 2026-02-26.

Conditions:
Cardiovascular phenotype. Identifiers: MedGen CN230736.
Cardiomyopathy (CMYO). Also called: Cardiomyopathies. Identifiers: Orphanet 167848, MedGen C0878544, MONDO:0004994, HP:0001638. Inheritance: Various modes of inheritance.
Hypertrophic cardiomyopathy. Also called: HYPERTROPHIC MYOCARDIOPATHY. Identifiers: Orphanet 217569, MedGen C0007194, MeSH D002312, MONDO:0005045, HP:0001639.

Allele frequency attached by ClinVar (database versions not stated): gnomAD 0.00002; gnomAD exomes below 0.00001; TOPMed below 0.00001; ExAC 0.00001.
gnomAD v4.1: 5 of 1,613,730 alleles (0.00031%); highest among the groups gnomAD compares: African/African-American, 0.0027%; no homozygotes.

Submissions (6):

Ambry Genetics
Classification: Uncertain significance for Cardiovascular phenotype. Last evaluated: 2026-02-26. Review status: criteria provided, single submitter. Criteria: Ambry Variant Classification Scheme 2023. Collection method: clinical testing. Allele origin: germline.

Color Diagnostics, LLC DBA Color Health
Classification: Uncertain significance for Cardiomyopathy. Last evaluated: 2025-07-15. Review status: criteria provided, single submitter. Criteria: ACMG Guidelines, 2015. Collection method: clinical testing. Allele origin: germline.
Comment: This missense variant replaces phenylalanine with leucine at codon 46 of the MYL3 protein. Computational prediction suggests that this variant may not impact protein structure and function. To our knowledge, functional studies have not been reported for this variant. This variant has been reported in an individual affected with hypertrophic cardiomyopathy (PMID: 37652022). This variant has been identified in 2/282580 chromosomes in the general population by the Genome Aggregation Database (gnomAD). The available evidence is insufficient to determine the role of this variant in disease conclusively. Therefore, this variant is classified as a Variant of Uncertain Significance.

Labcorp Genetics (formerly Invitae), Labcorp
Classification: Uncertain significance for Hypertrophic cardiomyopathy. Last evaluated: 2024-07-08. Review status: criteria provided, single submitter. Criteria: Invitae Variant Classification Sherloc (09022015). Collection method: clinical testing. Allele origin: germline.
Comment: This sequence change replaces phenylalanine, which is neutral and non-polar, with leucine, which is neutral and non-polar, at codon 46 of the MYL3 protein (p.Phe46Leu). This variant is present in population databases (rs730880953, gnomAD 0.004%). This missense change has been observed in individual(s) with hypertrophic cardiomyopathy (PMID: 37652022). ClinVar contains an entry for this variant (Variation ID: 181437). An algorithm developed to predict the effect of missense changes on protein structure and function (PolyPhen-2) suggests that this variant is likely to be tolerated. In summary, the available evidence is currently insufficient to determine the role of this variant in disease. Therefore, it has been classified as a Variant of Uncertain Significance.

All of Us Research Program, National Institutes of Health
Classification: Uncertain significance for Hypertrophic cardiomyopathy. Last evaluated: 2024-05-09. Review status: criteria provided, single submitter. Criteria: ACMG Guidelines, 2015. Collection method: clinical testing. Allele origin: germline. Inheritance: Autosomal dominant inheritance. Observed: 5 variant alleles, 5 heterozygotes.
Comment: This missense variant replaces phenylalanine with leucine at codon 46 of the MYL3 protein. Computational prediction suggests that this variant may not impact protein structure and function (internally defined REVEL score threshold <= 0.5, PMID: 27666373). To our knowledge, functional studies have not been reported for this variant. This variant has not been reported in individuals affected with cardiovascular disorders in the literature. This variant has been identified in 2/282580 chromosomes in the general population by the Genome Aggregation Database (gnomAD). The available evidence is insufficient to determine the role of this variant in disease conclusively. Therefore, this variant is classified as a Variant of Uncertain Significance.

This study involves interpretation of variants in research participants for the purpose of population health screening. Participant phenotype was not available at the time of variant classification. Additional details can be found in publication PMID: 35346344, PMCID: PMC8962531

Women's Health and Genetics/Laboratory Corporation of America, LabCorp
Classification: Uncertain significance. Last evaluated: 2021-12-06. Review status: criteria provided, single submitter. Criteria: LabCorp Variant Classification Summary - May 2015. Collection method: clinical testing. Allele origin: germline.
Comment: Variant summary: MYL3 c.136T>C (p.Phe46Leu) results in a non-conservative amino acid change in the encoded protein sequence. Three of five in-silico tools predict a benign effect of the variant on protein function. The variant allele was found at a frequency of 4e-06 in 251294 control chromosomes (gnomAD). The available data on variant occurrences in the general population are insufficient to allow any conclusion about variant significance. To our knowledge, no occurrence of c.136T>C in individuals affected with Hypertrophic Cardiomyopathy and no experimental evidence demonstrating its impact on protein function have been reported. Co-occurrence with other pathogenic variant has been reported (MYH7 c.1447G>A, p.E483K), providing supporting evidence for a benign role. Three clinical diagnostic laboratories have submitted clinical-significance assessments for this variant to ClinVar after 2014 and classified the variant as uncertain significance.. Based on the evidence outlined above, the variant was classified as uncertain significance.

GeneDx
Classification: Uncertain significance. Last evaluated: 2017-04-04. Review status: criteria provided, single submitter. Criteria: GeneDx Variant Classification (06012015). Collection method: clinical testing. Allele origin: germline. Affected: yes.
Comment: The F46L variant has not been published as a mutation or as a benign polymorphism to our knowledge. The F46L variant was not observed in approximately 6,500 individuals of European and African American ancestry in the NHLBI Exome Sequencing Project, indicating it is not a common benign variant in these populations. Mutations in MYL3 are rare in HCM, and have been reported in only about 1% of patients with an autosomal dominant familial form of the disease (Cirino A et al., 2011). Another missense mutation in a nearby residue (E56G) has been reported in association with HCM, supporting the functional importance of this region of the protein. However, the F46L variant is a conservative amino acid substitution, which is not likely to impact secondary protein structure as these residues share similar properties. Although this substitution occurs at a position that is conserved in mammals, in silico analysis is inconsistent in its predictions as to whether or not the variant is damaging to the protein structure/function. Therefore, based on the currently available information, it is unclear whether this variant is a pathogenic mutation or a rare benign variant. The variant is found in CARDIOMYOPATHY,HCM panel(s).

Literature cited by the submitters: PubMed 37652022 (cited by Color Diagnostics, LLC DBA Color Health and Labcorp Genetics (formerly Invitae), Labcorp); PubMed 22958901 (cited by Women's Health and Genetics/Laboratory Corporation of America, LabCorp).